The following is an entry in ClinVar:

NM_007294.4(BRCA1):c.3540_3541del (p.Val1181fs)

Genes: BRCA1 (BRCA1 DNA repair associated; minus strand), LOC126862571 (BRD4-independent group 4 enhancer GRCh37_chr17:41243136-41244335; plus strand). Cytogenetic location: 17q21.31.
Variant type: Deletion.
Coding change: c.3540_3541del on transcript NM_007294.4 (MANE Select); coding-DNA positions 3540 to 3541, 2 bases deleted (CG; older notation c.3540_3541delCG).
Protein change: p.Val1181fs; shifts the reading frame from valine 1181.
Molecular consequence: frameshift variant. On other transcripts: intron variant (135).
Genome position (GRCh38, 1-based): chr17:43,091,990-43,091,991, CG deleted on the plus strand (CG on the coding strand, the reverse complement: BRCA1 is on the minus strand); deleting any 2 consecutive bases within chr17:43,091,990-43,091,992 gives the same sequence; the c. name uses the placement nearest the transcript's 3' end. VCF-style (leftmost placement, unchanged base first): chr17-43091989-ACG-A. GRCh37 (hg19) VCF-style: chr17-41244006-ACG-A.
Other names: c.3399_3400del, p.Val1134fs (NM_001407851.1, NM_001407852.1, NM_001407942.1 and 29 more transcripts); c.3327_3328del, p.Val1110fs (NM_001407853.1, NM_001407894.1, NM_001407895.1 and 9 more transcripts); c.3540_3541del, p.Val1181fs (NM_001407854.1, NM_001407858.1, NM_001407859.1 and 30 more transcripts); c.3537_3538del, p.Val1180fs (NM_001407860.1, NM_001407861.1, NM_001407587.1 and 22 more transcripts); c.3339_3340del, p.Val1114fs (NM_001407862.1); c.3417_3418del, p.Val1140fs (NM_001407863.1, NM_001407919.1, NM_001407937.1 and 19 more transcripts); c.3336_3337del, p.Val1113fs (NM_001407874.1, NM_001407875.1); c.3330_3331del, p.Val1111fs (NM_001407879.1, NM_001407881.1, NM_001407882.1 and 13 more transcripts); and 42 more; short protein forms V1134fs, V1181fs, V1092fs, V1111fs, V1140fs, V1053fs, V1054fs, V1069fs.
Identifiers: ClinVar variation 54910 (VCV000054910.3), dbSNP rs397509080, ClinGen allele CA002263.

ClinVar aggregate classification (germline): Pathogenic. Review status: reviewed by expert panel (3 of 4 stars). 2 submissions from 2 submitters: Pathogenic (1). 1 of the submissions does not count toward it. Last evaluated 2017-12-15.

Conditions:
Breast-ovarian cancer, familial, susceptibility to, 1 (BROVCA1). Also called: BRCA1 Hereditary Breast and Ovarian Cancer; OVARIAN CANCER, SUSCEPTIBILITY TO. Identifiers: Orphanet 145, MedGen C2676676, MONDO:0011450, OMIM 604370. Disease mechanism: loss of function.
Familial cancer of breast. Also called: hereditary breast carcinoma; BREAST CANCER, FAMILIAL; Hereditary breast cancer. Identifiers: Orphanet 227535, MedGen C0346153, MONDO:0016419, OMIM 114480. Disease mechanism: loss of function.

Submissions (2):

Evidence-based Network for the Interpretation of Germline Mutant Alleles (ENIGMA)
Classification: Pathogenic for Breast-ovarian cancer, familial, susceptibility to, 1. Last evaluated: 2017-12-15. Review status: reviewed by expert panel. Criteria: ENIGMA BRCA1/2 Classification Criteria (2017-06-29). Collection method: curation. Allele origin: germline. Study: ENIGMA.
Comment: Variant allele predicted to encode a truncated non-functional protein.

ClinVar Staff, National Center for Biotechnology Information (NCBI)
No classification provided. Condition: Familial cancer of breast. Review status: no classification provided. Collection method: literature only. Allele origin: germline. Affected: yes. Not counted in ClinVar's aggregate classification.

Literature cited by the submitters: PubMed 22798144 (cited by ClinVar Staff, National Center for Biotechnology Information (NCBI)).